The following is an entry in ClinVar:

NM_004168.4(SDHA):c.1072G>A (p.Gly358Ser)

Gene: SDHA (succinate dehydrogenase complex flavoprotein subunit A; plus strand). Cytogenetic location: 5p15.33.
Variant type: single nucleotide variant.
Coding change: c.1072G>A on transcript NM_004168.4 (MANE Select); coding-DNA position 1072, G replaced by A.
Protein change: p.Gly358Ser; replaces glycine 358 with serine.
Molecular consequence: missense variant.
Genome position (GRCh38, 1-based): chr5:235,151, G>A. VCF-style: chr5-235151-G-A. GRCh37 (hg19) VCF-style: chr5-235266-G-A.
Other names: c.928G>A, p.Gly310Ser (NM_001294332.2); c.1072G>A, p.Gly358Ser (NM_001330758.2); short protein forms G358S, G310S.
Identifiers: ClinVar variation 1783922 (VCV001783922.2), dbSNP rs2477362110, ClinGen allele CA359013392.

ClinVar aggregate classification (germline): Uncertain significance (1 of 4 stars; one submission).

Conditions:
Hereditary cancer-predisposing syndrome. Also called: Neoplastic Syndromes, Hereditary; Tumor predisposition; Hereditary Cancer Syndrome; Hereditary neoplastic syndrome. Identifiers: Orphanet 140162, MedGen C0027672, MeSH D009386, MONDO:0015356.

Submission:

Ambry Genetics
Classification: Uncertain significance for Hereditary cancer-predisposing syndrome. Last evaluated: 2020-12-17. Review status: criteria provided, single submitter. Criteria: Ambry Variant Classification Scheme 2023. Collection method: clinical testing. Allele origin: germline.
Comment: The p.G358S variant (also known as c.1072G>A), located in coding exon 9 of the SDHA gene, results from a G to A substitution at nucleotide position 1072. The glycine at codon 358 is replaced by serine, an amino acid with similar properties. This amino acid position is highly conserved in available vertebrate species. In addition, the in silico prediction for this alteration is inconclusive. Since supporting evidence is limited at this time, the clinical significance of this alteration remains unclear.